The following is an entry in ClinVar:

NM_001212.4(C1QBP):c.518T>C (p.Ile173Thr)

Gene: C1QBP (complement C1q binding protein; minus strand). Cytogenetic location: 17p13.2.
Variant type: single nucleotide variant.
Coding change: c.518T>C on transcript NM_001212.4 (MANE Select); coding-DNA position 518, T replaced by C.
Protein change: p.Ile173Thr; replaces isoleucine 173 with threonine.
Molecular consequence: missense variant.
Genome position (GRCh38, 1-based): chr17:5,433,727, A>G on the plus strand (T>C on the coding strand, the complement: C1QBP is on the minus strand). VCF-style: chr17-5433727-A-G. GRCh37 (hg19) VCF-style: chr17-5337047-A-G.
Other names: short protein forms I173T.
Identifiers: ClinVar variation 2419274 (VCV002419274.6), dbSNP rs147800985, ClinGen allele CA8325256.
Genomic context (GRCh38, chr17:5,433,727, plus strand): 5'-ACCTCATCCTCTGGATAATGACAGTCCAACACAAGGGCCTTCTTGCCATCATCATTCTTT[A>G]TAACTTCAACCACGAAATTGGGAGTTGATGTCAGTTCAGGCTGGGGAAACAAGAAGTCAA-3'
Protein context (NP_001203.1, residues 163-183): TSTPNFVVEV[Ile173Thr]KNDDGKKALV

ClinVar aggregate classification (germline): Uncertain significance (1 of 4 stars; one submission).

gnomAD v4.1: 12 of 1,614,104 alleles (0.00074%); highest among the groups gnomAD compares: South Asian, 0.0033%; no homozygotes.

Submission:

Labcorp Genetics (formerly Invitae), Labcorp
Classification: Uncertain significance. Last evaluated: 2022-09-17. Review status: criteria provided, single submitter. Criteria: Invitae Variant Classification Sherloc (09022015). Collection method: clinical testing. Allele origin: germline.
Comment: In summary, the available evidence is currently insufficient to determine the role of this variant in disease. Therefore, it has been classified as a Variant of Uncertain Significance. Advanced modeling of protein sequence and biophysical properties (such as structural, functional, and spatial information, amino acid conservation, physicochemical variation, residue mobility, and thermodynamic stability) performed at Invitae indicates that this missense variant is not expected to disrupt C1QBP protein function. This variant has not been reported in the literature in individuals affected with C1QBP-related conditions. This variant is present in population databases (rs147800985, gnomAD 0.006%). This sequence change replaces isoleucine, which is neutral and non-polar, with threonine, which is neutral and polar, at codon 173 of the C1QBP protein (p.Ile173Thr).